The following is an entry in ClinVar:

NM_003059.3(SLC22A4):c.735G>A (p.Leu245=)

Genes: MIR3936HG (MIR3936 host gene; minus strand), SLC22A4 (solute carrier family 22 member 4; plus strand). Cytogenetic location: 5q31.1.
Variant type: single nucleotide variant.
Coding change: c.735G>A on transcript NM_003059.3 (MANE Select); coding-DNA position 735, G replaced by A.
Protein change: p.Leu245=; no amino-acid change (leucine 245 retained).
Molecular consequence: synonymous variant.
Genome position (GRCh38, 1-based): chr5:132,322,266, G>A. VCF-style: chr5-132322266-G-A. GRCh37 (hg19) VCF-style: chr5-131657959-G-A.
Other names: c.735G>A (NM_003059.2).
Identifiers: ClinVar variation 3667865 (VCV003667865.4).
Genomic context (GRCh38, chr5:132,322,266, plus strand): 5'-AGTTCGTATTATATTCTCTACATTAGGAGTGTGCACATTTTTTGCAGTTGGCTATATGCT[G>A]CTGCCACTGTTTGCTTACTTCATCAGAGACTGGCGGATGCTGCTGCTGGCGCTGACGGTG-3'
Protein context (NP_003050.2, residues 235-255): VCTFFAVGYM[Leu245=]LPLFAYFIRD

ClinVar aggregate classification (germline): Likely benign. Review status: criteria provided, multiple submitters, no conflicts (2 of 4 stars). 3 submissions from 3 submitters: Likely benign (3). Last evaluated 2025-11-11.

Conditions:
SLC22A4-related disorder. Also called: SLC22A4-related condition.

gnomAD v4.1: 119 of 1,613,962 alleles (0.0074%); highest among the groups gnomAD compares: Middle Eastern, 0.22%; no homozygotes.

Submissions (3):

PreventionGenetics, part of Exact Sciences
Classification: Likely benign for SLC22A4-related condition. Last evaluated: 2025-11-11. Review status: criteria provided, single submitter. Criteria: ACMG Guidelines, 2015. Collection method: clinical testing. Allele origin: germline.
Comment: This variant is classified as likely benign based on ACMG/AMP sequence variant interpretation guidelines (Richards et al. 2015 PMID: 25741868, with internal and published modifications).

Labcorp Genetics (formerly Invitae), Labcorp
Classification: Likely benign. Last evaluated: 2024-03-14. Review status: criteria provided, single submitter. Criteria: Invitae Variant Classification Sherloc (09022015). Collection method: clinical testing. Allele origin: germline.

Blueprint Genetics
Classification: Likely benign. Last evaluated: 2023-10-17. Review status: criteria provided, single submitter. Criteria: ACMG Guidelines, 2015. Collection method: clinical testing. Allele origin: germline.